The following is an entry in ClinVar:

ClinVar aggregate classification (germline): Likely benign (0 of 4 stars; one submission).

Conditions:
CYP2B6-related disorder. Also called: CYP2B6-related condition.

Allele frequency attached by ClinVar (database versions not stated): ESP Exome Variant Server 0.00354; 1000 Genomes Project 0.00359; ExAC 0.00386; gnomAD 0.00414; TOPMed 0.00458; 1000 Genomes Project 30x 0.00468; gnomAD exomes 0.00534.
gnomAD v4.1: 8,416 of 1,614,030 alleles (0.52%); highest among the groups gnomAD compares: Middle Eastern, 0.84%; 31 homozygotes.

Submission:

PreventionGenetics, part of Exact Sciences
Classification: Likely benign for CYP2B6-related condition. Last evaluated: 2019-05-09. Review status: no assertion criteria provided. Collection method: clinical testing. Allele origin: germline.
Comment: This variant is classified as likely benign based on ACMG/AMP sequence variant interpretation guidelines (Richards et al. 2015 PMID: 25741868, with internal and published modifications).

NM_000767.5(CYP2B6):c.62A>T (p.Gln21Leu)

Gene: CYP2B6 (cytochrome P450 family 2 subfamily B member 6; plus strand). Cytogenetic location: 19q13.2.
Variant type: single nucleotide variant.
Coding change: c.62A>T on transcript NM_000767.5 (MANE Select); coding-DNA position 62, A replaced by T.
Protein change: p.Gln21Leu; replaces glutamine 21 with leucine.
Molecular consequence: missense variant.
Genome position (GRCh38, 1-based): chr19:40,991,367, A>T. VCF-style: chr19-40991367-A-T. GRCh37 (hg19) VCF-style: chr19-41497272-A-T.
Other names: short protein forms Q21L.
Identifiers: ClinVar variation 3041988 (VCV003041988.2), dbSNP rs34883432, ClinGen allele CA9455026.
Genomic context (GRCh38, chr19:40,991,367, plus strand): 5'-TGGAACTCAGCGTCCTCCTCTTCCTTGCACTCCTCACAGGACTCTTGCTACTCCTGGTTC[A>T]GCGCCACCCTAACACCCATGACCGCCTCCCACCAGGGCCCCGCCCTCTGCCCCTTTTGGG-3'
Protein context (NP_000758.1, residues 11-31): LLTGLLLLLV[Gln21Leu]RHPNTHDRLP